The following is an entry in ClinVar:

ClinVar aggregate classification (germline): Uncertain significance. Review status: criteria provided, multiple submitters, no conflicts (2 of 4 stars). 3 submissions from 3 submitters: Uncertain significance (3). Last evaluated 2023-04-19.

Conditions:
Inborn genetic diseases. Identifiers: MedGen C0950123, MeSH D030342.

Submissions (3):

Blueprint Genetics
Classification: Uncertain significance. Last evaluated: 2023-04-19. Review status: criteria provided, single submitter. Criteria: ACMG Guidelines, 2015. Collection method: clinical testing. Allele origin: germline.

Labcorp Genetics (formerly Invitae), Labcorp
Classification: Uncertain significance. Last evaluated: 2022-08-23. Review status: criteria provided, single submitter. Criteria: Invitae Variant Classification Sherloc (09022015). Collection method: clinical testing. Allele origin: germline.
Comment: This sequence change replaces tyrosine, which is neutral and polar, with phenylalanine, which is neutral and non-polar, at codon 593 of the SLC24A1 protein (p.Tyr593Phe). This variant is present in population databases (rs370733466, gnomAD 0.01%). This variant has not been reported in the literature in individuals affected with SLC24A1-related conditions. ClinVar contains an entry for this variant (Variation ID: 1366079). Algorithms developed to predict the effect of missense changes on protein structure and function are either unavailable or do not agree on the potential impact of this missense change (SIFT: "Deleterious"; PolyPhen-2: "Possibly Damaging"; Align-GVGD: "Class C15"). In summary, the available evidence is currently insufficient to determine the role of this variant in disease. Therefore, it has been classified as a Variant of Uncertain Significance.

Ambry Genetics
Classification: Uncertain significance for Inborn genetic diseases. Last evaluated: 2022-03-25. Review status: criteria provided, single submitter. Criteria: Ambry Variant Classification Scheme 2023. Collection method: clinical testing. Allele origin: germline.

NM_004727.3(SLC24A1):c.1778A>T (p.Tyr593Phe)

Gene: SLC24A1 (solute carrier family 24 member 1; plus strand). Cytogenetic location: 15q22.31.
Variant type: single nucleotide variant.
Coding change: c.1778A>T on transcript NM_004727.3 (MANE Select); coding-DNA position 1778, A replaced by T.
Protein change: p.Tyr593Phe; replaces tyrosine 593 with phenylalanine.
Molecular consequence: missense variant.
Genome position (GRCh38, 1-based): chr15:65,625,858, A>T. VCF-style: chr15-65625858-A-T. GRCh37 (hg19) VCF-style: chr15-65918196-A-T.
Other names: c.1778A>T (NM_004727.2); c.1778A>T, p.Tyr593Phe (NM_001301031.1, NM_001301032.1, NM_001301033.2); short protein forms Y593F.
Identifiers: ClinVar variation 1366079 (VCV001366079.7), dbSNP rs370733466, ClinGen allele CA7619971.
Genomic context (GRCh38, chr15:65,625,858, plus strand): 5'-TCCTCTTCTTCCTGGACAGCCTCATTGCCTGGTGGGAGAGCCTGCTGCTGCTGCTGGCCT[A>T]TGCCTTCTATGTGTTCACCATGAAGTGGAACAAGCATATCGAGGTCTGGGTGAAGGAGCA-3'
Protein context (NP_004718.1, residues 583-603): WWESLLLLLA[Tyr593Phe]AFYVFTMKWN